The following is an entry in ClinVar:

ClinVar aggregate classification (germline): Uncertain significance (1 of 4 stars; one submission).

Conditions:
Kabuki syndrome. Also called: NIIKAWA-KUROKI SYNDROME; Kabuki make-up syndrome. Identifiers: Orphanet 2322, MedGen C0796004, MONDO:0016512.

Submission:

Labcorp Genetics (formerly Invitae), Labcorp
Classification: Uncertain significance for Kabuki syndrome. Last evaluated: 2025-10-16. Review status: criteria provided, single submitter. Criteria: Invitae Variant Classification Sherloc (09022015). Collection method: clinical testing. Allele origin: germline.
Comment: This sequence change replaces glutamine, which is neutral and polar, with lysine, which is basic and polar, at codon 1703 of the KMT2D protein (p.Gln1703Lys). This variant is not present in population databases (gnomAD no frequency). This variant has not been reported in the literature in individuals affected with KMT2D-related conditions. Invitae Evidence Modeling of protein sequence and biophysical properties (such as structural, functional, and spatial information, amino acid conservation, physicochemical variation, residue mobility, and thermodynamic stability) has been performed for this missense variant. However, the output from this modeling did not meet the statistical confidence thresholds required to predict the impact of this variant on KMT2D protein function. In summary, the available evidence is currently insufficient to determine the role of this variant in disease. Therefore, it has been classified as a Variant of Uncertain Significance.

NM_003482.4(KMT2D):c.5107C>A (p.Gln1703Lys)

Gene: KMT2D (lysine methyltransferase 2D; minus strand). Cytogenetic location: 12q13.12.
Variant type: single nucleotide variant.
Coding change: c.5107C>A on transcript NM_003482.4 (MANE Select); coding-DNA position 5107, C replaced by A.
Protein change: p.Gln1703Lys; replaces glutamine 1703 with lysine.
Molecular consequence: missense variant.
Genome position (GRCh38, 1-based): chr12:49,044,281, G>T on the plus strand (C>A on the coding strand, the complement: KMT2D is on the minus strand). VCF-style: chr12-49044281-G-T. GRCh37 (hg19) VCF-style: chr12-49438064-G-T.
Other names: short protein forms Q1703K.
Identifiers: ClinVar variation 4805657 (VCV004805657.1).